The following is an entry in ClinVar:

ClinVar aggregate classification (germline): Pathogenic (0 of 4 stars; one submission).

Conditions:
Fanconi anemia complementation group A (FANCA). Also called: Fanconi anemia, group A; FANCA-Related Fanconi Anemia. Identifiers: Orphanet 84, MedGen C3469521, MONDO:0009215, OMIM 227650.

Submission:

Leiden Open Variation Database
Classification: Pathogenic for Fanconi anemia complementation group A. Last evaluated: 2020-02-28. Review status: no assertion criteria provided. Collection method: curation. Allele origin: germline. Affected: yes.
Comment: Curator: Arleen D. Auerbach. Submitter to LOVD: Arleen D. Auerbach.

NC_000016.10:g.(89792548_89795905)_(89803342_89805279)del

Gene: FANCA (FA complementation group A; minus strand). Cytogenetic location: 16q24.3.
Variant type: Deletion.
Identifiers: ClinVar variation 973992 (VCV000973992.1).